The following is an entry in ClinVar:

ClinVar aggregate classification (germline): Uncertain significance. Review status: criteria provided, multiple submitters, no conflicts (2 of 4 stars). 2 submissions from 2 submitters: Uncertain significance (2). Last evaluated 2025-09-13.

Conditions:
Hereditary cancer-predisposing syndrome. Also called: Neoplastic Syndromes, Hereditary; Hereditary Cancer Syndrome; Hereditary neoplastic syndrome; Tumor predisposition. Identifiers: Orphanet 140162, MedGen C0027672, MeSH D009386, MONDO:0015356.

Allele frequency attached by ClinVar (database versions not stated): gnomAD exomes below 0.00001.
gnomAD v4.1: 1 of 1,582,056 alleles (0.000063%); highest among the groups gnomAD compares: Non-Finnish European, 0.000087%; no homozygotes.

Submissions (2):

Labcorp Genetics (formerly Invitae), Labcorp
Classification: Uncertain significance. Last evaluated: 2025-09-13. Review status: criteria provided, single submitter. Criteria: Invitae Variant Classification Sherloc (09022015). Collection method: clinical testing. Allele origin: germline.
Comment: This sequence change replaces isoleucine, which is neutral and non-polar, with phenylalanine, which is neutral and non-polar, at codon 488 of the MSH3 protein (p.Ile488Phe). This variant is not present in population databases (gnomAD no frequency). This variant has not been reported in the literature in individuals affected with MSH3-related conditions. ClinVar contains an entry for this variant (Variation ID: 2562146). An algorithm developed to predict the effect of missense changes on protein structure and function (PolyPhen-2) suggests that this variant is likely to be tolerated. In summary, the available evidence is currently insufficient to determine the role of this variant in disease. Therefore, it has been classified as a Variant of Uncertain Significance.

Ambry Genetics
Classification: Uncertain significance for Hereditary cancer-predisposing syndrome. Last evaluated: 2023-04-28. Review status: criteria provided, single submitter. Criteria: Ambry Variant Classification Scheme 2023. Collection method: clinical testing. Allele origin: germline.
Comment: The p.I488F variant (also known as c.1462A>T), located in coding exon 10 of the MSH3 gene, results from an A to T substitution at nucleotide position 1462. The isoleucine at codon 488 is replaced by phenylalanine, an amino acid with highly similar properties. This amino acid position is conserved. In addition, this alteration is predicted to be tolerated by in silico analysis. Since supporting evidence is limited at this time, the clinical significance of this alteration remains unclear.

NM_002439.5(MSH3):c.1462A>T (p.Ile488Phe)

Gene: MSH3 (mutS homolog 3; plus strand). Cytogenetic location: 5q14.1.
Variant type: single nucleotide variant.
Coding change: c.1462A>T on transcript NM_002439.5 (MANE Select); coding-DNA position 1462, A replaced by T.
Protein change: p.Ile488Phe; replaces isoleucine 488 with phenylalanine.
Molecular consequence: missense variant.
Genome position (GRCh38, 1-based): chr5:80,728,859, A>T. VCF-style: chr5-80728859-A-T. GRCh37 (hg19) VCF-style: chr5-80024678-A-T.
Other names: short protein forms I488F.
Identifiers: ClinVar variation 2562146 (VCV002562146.3), dbSNP rs2546754592, ClinGen allele CA360274156.